The following is an entry in ClinVar:

NM_001844.5(COL2A1):c.4378C>T (p.Leu1460Phe)

Gene: COL2A1 (collagen type II alpha 1 chain; minus strand). Cytogenetic location: 12q13.11.
Variant type: single nucleotide variant.
Coding change: c.4378C>T on transcript NM_001844.5 (MANE Select); coding-DNA position 4378, C replaced by T.
Protein change: p.Leu1460Phe; replaces leucine 1460 with phenylalanine.
Molecular consequence: missense variant.
Genome position (GRCh38, 1-based): chr12:47,973,493, G>A on the plus strand (C>T on the coding strand, the complement: COL2A1 is on the minus strand). VCF-style: chr12-47973493-G-A. GRCh37 (hg19) VCF-style: chr12-48367276-G-A.
Other names: c.4171C>T, p.Leu1391Phe (NM_033150.3); short protein forms L1391F, L1460F.
Identifiers: ClinVar variation 2131318 (VCV002131318.5), dbSNP rs2540091378, ClinGen allele CA384533249.

ClinVar aggregate classification (germline): Uncertain significance. Review status: criteria provided, multiple submitters, no conflicts (2 of 4 stars). 2 submissions from 2 submitters: Uncertain significance (2). Last evaluated 2023-12-07.

Allele frequency attached by ClinVar (database versions not stated): gnomAD exomes 0.00001.
gnomAD v4.1: 7 of 1,614,146 alleles (0.00043%); highest among the groups gnomAD compares: Non-Finnish European, 0.00059%; no homozygotes.

Submissions (2):

Labcorp Genetics (formerly Invitae), Labcorp
Classification: Uncertain significance. Last evaluated: 2023-12-07. Review status: criteria provided, single submitter. Criteria: Invitae Variant Classification Sherloc (09022015). Collection method: clinical testing. Allele origin: germline.
Comment: This sequence change replaces leucine, which is neutral and non-polar, with phenylalanine, which is neutral and non-polar, at codon 1460 of the COL2A1 protein (p.Leu1460Phe). This variant is not present in population databases (gnomAD no frequency). This variant has not been reported in the literature in individuals affected with COL2A1-related conditions. ClinVar contains an entry for this variant (Variation ID: 2131318). Advanced modeling of protein sequence and biophysical properties (such as structural, functional, and spatial information, amino acid conservation, physicochemical variation, residue mobility, and thermodynamic stability) performed at Invitae indicates that this missense variant is expected to disrupt COL2A1 protein function with a positive predictive value of 95%. In summary, the available evidence is currently insufficient to determine the role of this variant in disease. Therefore, it has been classified as a Variant of Uncertain Significance.

Blueprint Genetics
Classification: Uncertain significance. Last evaluated: 2021-08-05. Review status: criteria provided, single submitter. Criteria: ACMG Guidelines, 2015. Collection method: clinical testing. Allele origin: germline.